The following is an entry in ClinVar:

NM_002878.4(RAD51D):c.857C>A (p.Ala286Glu)

Genes: RAD51L3-RFFL (RAD51L3-RFFL readthrough; minus strand), RAD51D (RAD51 paralog D; minus strand). Cytogenetic location: 17q12.
Variant type: single nucleotide variant.
Coding change: c.857C>A on transcript NM_002878.4 (MANE Select); coding-DNA position 857, C replaced by A.
Protein change: p.Ala286Glu; replaces alanine 286 with glutamic acid.
Molecular consequence: missense variant. On other transcripts: non-coding transcript variant (3).
Genome position (GRCh38, 1-based): chr17:35,101,247, G>T on the plus strand (C>A on the coding strand, the complement: RAD51D is on the minus strand). VCF-style: chr17-35101247-G-T. GRCh37 (hg19) VCF-style: chr17-33428266-G-T.
Other names: c.917C>A, p.Ala306Glu (NM_001142571.2); c.521C>A, p.Ala174Glu (NM_133629.3); short protein forms A174E, A286E, A306E.
Identifiers: ClinVar variation 4807576 (VCV004807576.1).

ClinVar aggregate classification (germline): Uncertain significance (1 of 4 stars; one submission).

Conditions:
Breast-ovarian cancer, familial, susceptibility to, 4. Identifiers: Orphanet 145, MedGen C3280345, MONDO:0013669, OMIM 614291.

gnomAD v4.1: 1 of 1,614,194 alleles (0.000062%); highest among the groups gnomAD compares: African/African-American, 0.0013%; no homozygotes.

Submission:

Labcorp Genetics (formerly Invitae), Labcorp
Classification: Uncertain significance for Breast-ovarian cancer, familial, susceptibility to, 4. Last evaluated: 2025-08-07. Review status: criteria provided, single submitter. Criteria: Invitae Variant Classification Sherloc (09022015). Collection method: clinical testing. Allele origin: germline.
Comment: This sequence change replaces alanine, which is neutral and non-polar, with glutamic acid, which is acidic and polar, at codon 286 of the RAD51D protein (p.Ala286Glu). This variant is not present in population databases (gnomAD no frequency). This variant has not been reported in the literature in individuals affected with RAD51D-related conditions. Invitae Evidence Modeling of protein sequence and biophysical properties (such as structural, functional, and spatial information, amino acid conservation, physicochemical variation, residue mobility, and thermodynamic stability) indicates that this missense variant is not expected to disrupt RAD51D protein function with a negative predictive value of 80%. In summary, the available evidence is currently insufficient to determine the role of this variant in disease. Therefore, it has been classified as a Variant of Uncertain Significance.